The following is an entry in ClinVar:

NM_001283009.2(RTEL1):c.302-18T>C

Genes: RTEL1 (regulator of telomere elongation helicase 1; plus strand), RTEL1-TNFRSF6B (RTEL1-TNFRSF6B readthrough (NMD candidate); plus strand). Cytogenetic location: 20q13.33.
Variant type: single nucleotide variant.
Coding change: c.302-18T>C on transcript NM_001283009.2 (MANE Select); 18 bases into the intron before coding-DNA position 302, T replaced by C.
Molecular consequence: intron variant.
Genome position (GRCh38, 1-based): chr20:63,661,832, T>C. VCF-style: chr20-63661832-T-C. GRCh37 (hg19) VCF-style: chr20-62293185-T-C.
Other names: c.-368-18T>C (NM_001283010.1); c.302-18T>C (NM_032957.5, NM_016434.4).
Identifiers: ClinVar variation 4790891 (VCV004790891.1).

ClinVar aggregate classification (germline): Uncertain significance (1 of 4 stars; one submission).

Conditions:
Dyskeratosis congenita, autosomal recessive 5 (DKCB5). Identifiers: MedGen C3554656, MONDO:0014076, OMIM 615190.
Pulmonary fibrosis and/or bone marrow failure, Telomere-related, 3. Also called: PULMONARY FIBROSIS AND/OR BONE MARROW FAILURE SYNDROME, TELOMERE-RELATED, 3. Identifiers: Orphanet 2032, MedGen C4225346, MONDO:0014613, OMIM 616373.

Submission:

Labcorp Genetics (formerly Invitae), Labcorp
Classification: Uncertain significance for Dyskeratosis congenita, autosomal recessive 5; Pulmonary fibrosis and/or bone marrow failure, Telomere-related, 3. Last evaluated: 2025-07-15. Review status: criteria provided, single submitter. Criteria: Invitae Variant Classification Sherloc (09022015). Collection method: clinical testing. Allele origin: germline.
Comment: This sequence change falls in intron 3 of the RTEL1 gene. It does not directly change the encoded amino acid sequence of the RTEL1 protein. This variant is not present in population databases (gnomAD no frequency). This variant has not been reported in the literature in individuals affected with RTEL1-related conditions. Algorithms developed to predict the effect of sequence changes on RNA splicing suggest that this variant may disrupt the consensus splice site. In summary, the available evidence is currently insufficient to determine the role of this variant in disease. Therefore, it has been classified as a Variant of Uncertain Significance.